The following is an entry in ClinVar:

ClinVar aggregate classification (germline): Benign. Review status: criteria provided, multiple submitters, no conflicts (2 of 4 stars). 13 submissions from 13 submitters: Benign (12). 1 of the submissions does not count toward it. Last evaluated 2026-02-04.

Conditions:
Alport syndrome. Also called: Hemorrhagic familial nephritis; Hemorrhagic hereditary nephritis; Congenital hereditary hematuria. Identifiers: Orphanet 63, MedGen C1567741, MONDO:0018965.
Autosomal recessive Alport syndrome (ATS2). Also called: ALPORT SYNDROME 2, AUTOSOMAL RECESSIVE; Alport syndrome type 2; COL4A4 Alport Syndrome and Thin Basement Membrane Nephropathy; COL4A3-Related Nephropathy. Identifiers: Orphanet 63, Orphanet 88919, MedGen C4746745, MONDO:0008762, OMIM 203780.

Allele frequency attached by ClinVar (database versions not stated): gnomAD exomes 0.44063 and 0.47270; ESP Exome Variant Server 0.45120; gnomAD 0.46565 and 0.46787; TOPMed 0.46845; ExAC 0.47459; 1000 Genomes Project 30x 0.49313; 1000 Genomes Project 0.49501.

Submissions (13):

Labcorp Genetics (formerly Invitae), Labcorp
Classification: Benign. Last evaluated: 2026-02-04. Review status: criteria provided, single submitter. Criteria: Invitae Variant Classification Sherloc (09022015). Collection method: clinical testing. Allele origin: germline.

Women's Health and Genetics/Laboratory Corporation of America, LabCorp
Classification: Benign. Last evaluated: 2024-11-29. Review status: criteria provided, single submitter. Criteria: LabCorp Variant Classification Summary - May 2015. Collection method: clinical testing. Allele origin: germline.

Blueprint Genetics
Classification: Benign. Last evaluated: 2024-11-26. Review status: criteria provided, single submitter. Criteria: ACMG Guidelines, 2015. Collection method: clinical testing. Allele origin: germline.

Unidad de Genómica Garrahan, Hospital de Pediatría Garrahan
Classification: Benign. Last evaluated: 2024-07-15. Review status: criteria provided, single submitter. Criteria: ACMG Guidelines, 2015. Collection method: clinical testing. Allele origin: germline. Affected: no. Observed: 57 variant alleles.
Comment: This variant is classified as Benign based on local population frequency. This variant was detected in 61% of patients studied in a panel designed for Epileptic and Developmental Encephalopathy and Progressive Myoclonus Epilepsy. Number of patients: 57. Only high quality variants are reported.

Mayo Clinic Laboratories, Mayo Clinic
Classification: Benign. Last evaluated: 2022-03-09. Review status: criteria provided, single submitter. Criteria: ACMG Guidelines, 2015. Collection method: clinical testing. Allele origin: germline. Observed: 251 variant alleles.

Genome-Nilou Lab
Classification: Benign for Autosomal recessive Alport syndrome. Last evaluated: 2021-07-10. Review status: criteria provided, single submitter. Criteria: ACMG Guidelines, 2015. Collection method: clinical testing. Allele origin: germline. Affected: no.

Illumina Laboratory Services, Illumina
Classification: Benign for Alport syndrome. Last evaluated: 2018-01-13. Review status: criteria provided, single submitter. Criteria: ICSL Variant Classification Criteria 13 December 2019. Collection method: clinical testing. Allele origin: germline.
Comment: This variant was observed in the ICSL laboratory as part of a predisposition screen in an ostensibly healthy population. It had not been previously curated by ICSL or reported in the Human Gene Mutation Database (HGMD: prior to June 1st, 2018), and was therefore a candidate for classification through an automated scoring system. Utilizing variant allele frequency, disease prevalence and penetrance estimates, and inheritance mode, an automated score was calculated to assess if this variant is too frequent to cause the disease. Based on the score and internal cut-off values, a variant classified as benign is not then subjected to further curation. The score for this variant resulted in a classification of benign for this disease.

GeneDx
Classification: Benign. Last evaluated: 2017-05-09. Review status: criteria provided, single submitter. Criteria: GeneDx Variant Classification (06012015). Collection method: clinical testing. Allele origin: germline. Affected: yes.
Comment: This variant is considered likely benign or benign based on one or more of the following criteria: it is a conservative change, it occurs at a poorly conserved position in the protein, it is predicted to be benign by multiple in silico algorithms, and/or has population frequency not consistent with disease.

Athena Diagnostics
Classification: Benign. Last evaluated: 2017-04-28. Review status: criteria provided, single submitter. Criteria: Athena Diagnostics Criteria. Collection method: clinical testing. Allele origin: germline.

Laboratory for Molecular Medicine, Mass General Brigham Personalized Medicine
Classification: Benign. Last evaluated: 2016-03-21. Review status: criteria provided, single submitter. Criteria: LMM Criteria. Collection method: clinical testing. Allele origin: germline. Observed: 194 variant alleles.
Comment: p.Gly1198Gly in exon 39 of COL4A4: This variant is not expected to have clinical significance because it does not alter an amino acid residue, is not located wi thin the splice consensus sequence, and has been identified in 57.43% (9419/1640 2) of South Asian chromosomes by the Exome Aggregation Consortium (ExAC; dbSNP rs10203363).

Breakthrough Genomics
Classification: Benign. Review status: criteria provided, single submitter. Criteria: ACMG Guidelines, 2015. Collection method: not provided. Allele origin: germline. Inheritance: Autosomal recessive inheritance. Affected: yes.

PreventionGenetics, part of Exact Sciences
Classification: Benign. Review status: criteria provided, single submitter. Criteria: ACMG Guidelines, 2015. Collection method: clinical testing. Allele origin: germline.

Natera, Inc.
Classification: Benign for Alport syndrome. Last evaluated: 2020-09-16. Review status: no assertion criteria provided. Collection method: clinical testing. Allele origin: germline. Not counted in ClinVar's aggregate classification.

Literature cited by the submitters: PubMed 11961012 (cited by Athena Diagnostics); PubMed 19129241 (cited by Athena Diagnostics).

NM_000092.5(COL4A4):c.3594G>A (p.Gly1198=)

Gene: COL4A4 (collagen type IV alpha 4 chain; minus strand). Cytogenetic location: 2q36.3.
Variant type: single nucleotide variant.
Coding change: c.3594G>A on transcript NM_000092.5 (MANE Select); coding-DNA position 3594, G replaced by A.
Protein change: p.Gly1198=; no amino-acid change (glycine 1198 retained).
Molecular consequence: synonymous variant.
Genome position (GRCh38, 1-based): chr2:227,032,260, C>T on the plus strand (G>A on the coding strand, the complement: COL4A4 is on the minus strand). VCF-style: chr2-227032260-C-T. GRCh37 (hg19) VCF-style: chr2-227896976-C-T.
Other names: p.Gly1198=.
Identifiers: ClinVar variation 255031 (VCV000255031.27), dbSNP rs10203363, ClinGen allele CA2144475.